The following is an entry in ClinVar:

NM_003747.3(TNKS):c.2331T>C (p.Thr777=)

Gene: TNKS (tankyrase). Cytogenetic location: 8p23.1.
Variant type: single nucleotide variant.
Coding change: c.2331T>C on transcript NM_003747.3 (MANE Select); coding-DNA position 2331, T replaced by C.
Protein change: p.Thr777=; no amino-acid change (threonine 777 retained).
Molecular consequence: synonymous variant.
Genome position (GRCh38, 1-based): chr8:9,734,882, T>C. VCF-style: chr8-9734882-T-C. GRCh37 (hg19) VCF-style: chr8-9592392-T-C.
Identifiers: ClinVar variation 713361 (VCV000713361.28), dbSNP rs61752022, ClinGen allele CA4621250.

ClinVar aggregate classification (germline): Benign/Likely benign. Review status: criteria provided, multiple submitters, no conflicts (2 of 4 stars). 3 submissions from 3 submitters: Benign (2); Likely benign (1). Last evaluated 2022-12-01.

Allele frequency attached by ClinVar (database versions not stated): 1000 Genomes Project 0.00140; 1000 Genomes Project 30x 0.00172; TOPMed 0.00274; gnomAD 0.00347 and 0.00354; ESP Exome Variant Server 0.00392; gnomAD exomes 0.00409 and 0.00410; ExAC 0.00430.
gnomAD v4.1: 6,477 of 1,613,948 alleles (0.4%); highest among the groups gnomAD compares: Non-Finnish European, 0.44%; 19 homozygotes.

Submissions (3):

CeGaT Center for Human Genetics Tuebingen
Classification: Likely benign. Last evaluated: 2022-12-01. Review status: criteria provided, single submitter. Criteria: CeGaT Center For Human Genetics Tuebingen Variant Classification Criteria Version 2. Collection method: clinical testing. Allele origin: germline. Affected: yes. Observed: 1 variant allele.
Comment: TNKS: BP4, BP7, BS2

Labcorp Genetics (formerly Invitae), Labcorp
Classification: Benign. Last evaluated: 2017-12-08. Review status: criteria provided, single submitter. Criteria: Invitae Variant Classification Sherloc (09022015). Collection method: clinical testing. Allele origin: germline.

Breakthrough Genomics
Classification: Benign. Review status: criteria provided, single submitter. Criteria: ACMG Guidelines, 2015. Collection method: not provided. Allele origin: germline. Inheritance: Unknown mechanism. Affected: yes.